The following is an entry in ClinVar:

ClinVar aggregate classification (germline): Uncertain significance (1 of 4 stars; one submission).

Allele frequency attached by ClinVar (database versions not stated): ExAC 0.00003; TOPMed 0.00004; gnomAD 0.00005; gnomAD exomes 0.00006; ESP Exome Variant Server 0.00008.
gnomAD v4.1: 89 of 1,612,144 alleles (0.0055%); highest among the groups gnomAD compares: Non-Finnish European, 0.0071%; no homozygotes.

Submission:

Labcorp Genetics (formerly Invitae), Labcorp
Classification: Uncertain significance. Last evaluated: 2022-06-14. Review status: criteria provided, single submitter. Criteria: Invitae Variant Classification Sherloc (09022015). Collection method: clinical testing. Allele origin: germline.
Comment: This sequence change replaces phenylalanine, which is neutral and non-polar, with serine, which is neutral and polar, at codon 513 of the ICK protein (p.Phe513Ser). This variant is present in population databases (rs369034938, gnomAD 0.004%). This variant has not been reported in the literature in individuals affected with ICK-related conditions. Algorithms developed to predict the effect of missense changes on protein structure and function (SIFT, PolyPhen-2, Align-GVGD) all suggest that this variant is likely to be tolerated. In summary, the available evidence is currently insufficient to determine the role of this variant in disease. Therefore, it has been classified as a Variant of Uncertain Significance.

NM_014920.5(CILK1):c.1538T>C (p.Phe513Ser)

Gene: CILK1 (ciliogenesis associated kinase 1; minus strand). Cytogenetic location: 6p12.1.
Variant type: single nucleotide variant.
Coding change: c.1538T>C on transcript NM_014920.5 (MANE Select); coding-DNA position 1538, T replaced by C.
Protein change: p.Phe513Ser; replaces phenylalanine 513 with serine.
Molecular consequence: missense variant. On other transcripts: non-coding transcript variant (1).
Genome position (GRCh38, 1-based): chr6:53,009,522, A>G on the plus strand (T>C on the coding strand, the complement: CILK1 is on the minus strand). VCF-style: chr6-53009522-A-G. GRCh37 (hg19) VCF-style: chr6-52874320-A-G.
Other names: c.1559T>C, p.Phe520Ser (NM_001375397.1); c.1538T>C, p.Phe513Ser (NM_001375398.1, NM_001375399.1, NM_001375400.1 and 3 more transcripts); short protein forms F513S, F520S.
Identifiers: ClinVar variation 2085545 (VCV002085545.1), dbSNP rs369034938, ClinGen allele CA3858515.
Genomic context (GRCh38, chr6:53,009,522, plus strand): 5'-GACATTGTCCCTGAAGATTTTCCAGACAAGCCAGAACTAGACCATGGATTAGGTGGAATA[A>G]ATTCCTTGCCTGGATTCGAGAGTATGCCATTTCTTATACTGATCCCTGATAGAGAAGAAA-3'
Protein context (NP_055735.1, residues 503-523): NGILSNPGKE[Phe513Ser]IPPNPWSSSG